The following is an entry in ClinVar:

ClinVar aggregate classification (germline): Uncertain significance. Review status: criteria provided, multiple submitters, no conflicts (2 of 4 stars). 3 submissions from 3 submitters: Uncertain significance (3). Last evaluated 2026-05-19.

Conditions:
Inborn genetic diseases. Identifiers: MedGen C0950123, MeSH D030342.

gnomAD v4.1: 2 of 1,613,440 alleles (0.00012%); highest among the groups gnomAD compares: African/African-American, 0.0013%; no homozygotes.

Submissions (3):

Ambry Genetics
Classification: Uncertain significance for Inborn genetic diseases. Last evaluated: 2026-05-19. Review status: criteria provided, single submitter. Criteria: Ambry Variant Classification Scheme 2023. Collection method: clinical testing. Allele origin: germline.

Dasa
Classification: Uncertain significance. Last evaluated: 2025-08-04. Review status: criteria provided, single submitter. Criteria: DASA Assertion Criteria. Collection method: clinical testing. Allele origin: germline.
Comment: NM_001375524.1(TRRAP):c.5923G>C (p.Val1975Leu) is a missense variant that results in the substitution of valine with leucine. This variant is rare in population databases. The currently available literature and clinical evidence are not sufficient to establish a definitive association between this variant and the reported condition. Therefore, this variant is classified as a variant of uncertain significance.

Labcorp Genetics (formerly Invitae), Labcorp
Classification: Uncertain significance. Last evaluated: 2024-03-27. Review status: criteria provided, single submitter. Criteria: Invitae Variant Classification Sherloc (09022015). Collection method: clinical testing. Allele origin: germline.
Comment: This sequence change replaces valine, which is neutral and non-polar, with leucine, which is neutral and non-polar, at codon 1950 of the TRRAP protein (p.Val1950Leu). This variant is not present in population databases (gnomAD no frequency). This variant has not been reported in the literature in individuals affected with TRRAP-related conditions. Advanced modeling of protein sequence and biophysical properties (such as structural, functional, and spatial information, amino acid conservation, physicochemical variation, residue mobility, and thermodynamic stability) performed at Invitae indicates that this missense variant is not expected to disrupt TRRAP protein function with a negative predictive value of 80%. In summary, the available evidence is currently insufficient to determine the role of this variant in disease. Therefore, it has been classified as a Variant of Uncertain Significance.

NM_001375524.1(TRRAP):c.5923G>C (p.Val1975Leu)

Gene: TRRAP (transformation/transcription domain associated protein; plus strand). Cytogenetic location: 7q22.1.
Variant type: single nucleotide variant.
Coding change: c.5923G>C on transcript NM_001375524.1 (MANE Select); coding-DNA position 5923, G replaced by C.
Protein change: p.Val1975Leu; replaces valine 1975 with leucine.
Molecular consequence: missense variant.
Genome position (GRCh38, 1-based): chr7:98,955,290, G>C. VCF-style: chr7-98955290-G-C. GRCh37 (hg19) VCF-style: chr7-98552913-G-C.
Other names: c.5902G>C (NM_001244580.1); c.5902G>C, p.Val1968Leu (NM_001244580.2); c.5848G>C, p.Val1950Leu (NM_003496.4); short protein forms V1950L, V1968L, V1975L.
Identifiers: ClinVar variation 3607200 (VCV003607200.5).